The following is an entry in ClinVar:

NM_003680.3(YARS1):c.-442C>T

Genes: S100PBP (S100P binding protein; plus strand), YARS1 (tyrosyl-tRNA synthetase 1; minus strand). Cytogenetic location: 1p35.1.
Variant type: single nucleotide variant.
Coding change: c.-442C>T on transcript NM_003680.3; 442 bases upstream of the start codon, C replaced by T.
Molecular consequence: 5 prime UTR variant (on NM_022753.4). On other transcripts: intron variant (1).
Genome position (GRCh38, 1-based): chr1:32,817,686, G>A on the plus strand (C>T on the coding strand, the complement: YARS1 is on the minus strand). VCF-style: chr1-32817686-G-A. GRCh37 (hg19) VCF-style: chr1-33283287-G-A.
Other names: c.-123G>A (NM_022753.4); c.-120+87G>A (NM_001256121.2).
Identifiers: ClinVar variation 297170 (VCV000297170.7), dbSNP rs115959445, ClinGen allele CA10610951.
Genomic context (GRCh38, chr1:32,817,686, plus strand): 5'-AAAATGGCGCAGGGGGCGGAGTGAGGCGCAGTCGTTCGCCCAGGCTTTGGCCCGGCTTCC[G>A]GAGGTGAAGAGCGGGAGGGACGAGGGGGTCGGCGTTACCCGGCTTGGAGGGGGATGGGGG-3'

ClinVar aggregate classification (germline): Benign (1 of 4 stars; one submission).

Conditions:
Charcot-Marie-Tooth disease dominant intermediate C (CMTDIC). Also called: CHARCOT-MARIE-TOOTH NEUROPATHY, DOMINANT INTERMEDIATE C. Identifiers: Orphanet 100045, MedGen C1842237, MONDO:0012012, OMIM 608323.

Allele frequency attached by ClinVar (database versions not stated): TOPMed 0.01675; gnomAD 0.01995 and 0.02048; 1000 Genomes Project 0.00879; 1000 Genomes Project 30x 0.00953; gnomAD exomes 0.01840.
gnomAD v4.1: 4,427 of 229,464 alleles (1.9%); highest among the groups gnomAD compares: Non-Finnish European, 2.8%; 79 homozygotes.

Submission:

Illumina Laboratory Services, Illumina
Classification: Benign for Charcot-Marie-Tooth disease dominant intermediate C. Last evaluated: 2018-01-12. Review status: criteria provided, single submitter. Criteria: ICSL Variant Classification Criteria 13 December 2019. Collection method: clinical testing. Allele origin: germline.
Comment: This variant was observed in the ICSL laboratory as part of a predisposition screen in an ostensibly healthy population. It had not been previously curated by ICSL or reported in the Human Gene Mutation Database (HGMD: prior to June 1st, 2018), and was therefore a candidate for classification through an automated scoring system. Utilizing variant allele frequency, disease prevalence and penetrance estimates, and inheritance mode, an automated score was calculated to assess if this variant is too frequent to cause the disease. Based on the score and internal cut-off values, a variant classified as benign is not then subjected to further curation. The score for this variant resulted in a classification of benign for this disease.